The following is an entry in ClinVar:

ClinVar aggregate classification (germline): Conflicting classifications of pathogenicity. Review status: criteria provided, conflicting classifications (1 of 4 stars). 3 submissions from 3 submitters: Uncertain significance (2); Likely benign (1). Last evaluated 2024-10-28.

Conditions:
Hereditary cancer-predisposing syndrome. Also called: Tumor predisposition; Hereditary Cancer Syndrome; Neoplastic Syndromes, Hereditary; Hereditary neoplastic syndrome. Identifiers: Orphanet 140162, MedGen C0027672, MeSH D009386, MONDO:0015356.
Neuroblastoma, susceptibility to, 3. Also called: ALK-Related Neuroblastic Tumor Susceptibility. Identifiers: Orphanet 635, MedGen C2751681, MONDO:0013083, OMIM 613014.

Allele frequency attached by ClinVar (database versions not stated): ExAC 0.00083.

Submissions (3):

Ambry Genetics
Classification: Likely benign for Hereditary cancer-predisposing syndrome. Last evaluated: 2024-10-28. Review status: criteria provided, single submitter. Criteria: Ambry Variant Classification Scheme 2023. Collection method: clinical testing. Allele origin: germline.

Baylor Genetics
Classification: Uncertain significance for Neuroblastoma, susceptibility to, 3. Last evaluated: 2023-05-09. Review status: criteria provided, single submitter. Criteria: ACMG Guidelines, 2015. Collection method: clinical testing. Allele origin: unknown.

Labcorp Genetics (formerly Invitae), Labcorp
Classification: Uncertain significance for Neuroblastoma, susceptibility to, 3. Last evaluated: 2022-09-13. Review status: criteria provided, single submitter. Criteria: Invitae Variant Classification Sherloc (09022015). Collection method: clinical testing. Allele origin: germline.
Comment: This sequence change replaces glutamic acid, which is acidic and polar, with lysine, which is basic and polar, at codon 1594 of the ALK protein (p.Glu1594Lys). In summary, the available evidence is currently insufficient to determine the role of this variant in disease. Therefore, it has been classified as a Variant of Uncertain Significance. Algorithms developed to predict the effect of missense changes on protein structure and function (SIFT, PolyPhen-2, Align-GVGD) all suggest that this variant is likely to be disruptive. ClinVar contains an entry for this variant (Variation ID: 1015251). This variant has not been reported in the literature in individuals affected with ALK-related conditions. The frequency data for this variant in the population databases is considered unreliable, as metrics indicate poor data quality at this position in the gnomAD database.

NM_004304.5(ALK):c.4780G>A (p.Glu1594Lys)

Gene: ALK (ALK receptor tyrosine kinase; minus strand). Cytogenetic location: 2p23.2.
Variant type: single nucleotide variant.
Coding change: c.4780G>A on transcript NM_004304.5 (MANE Select); coding-DNA position 4780, G replaced by A.
Protein change: p.Glu1594Lys; replaces glutamic acid 1594 with lysine.
Molecular consequence: missense variant.
Genome position (GRCh38, 1-based): chr2:29,193,307, C>T on the plus strand (G>A on the coding strand, the complement: ALK is on the minus strand). VCF-style: chr2-29193307-C-T. GRCh37 (hg19) VCF-style: chr2-29416173-C-T.
Other names: c.1576G>A, p.Glu526Lys (NM_001353765.2); c.4780G>A (NM_004304.4); short protein forms E1594K, E526K.
Identifiers: ClinVar variation 1015251 (VCV001015251.10), dbSNP rs767191161, ClinGen allele CA1593486.